The following is an entry in ClinVar:

ClinVar aggregate classification (germline): Uncertain significance (1 of 4 stars; one submission).

Submission:

GeneDx
Classification: Uncertain significance. Last evaluated: 2022-06-24. Review status: criteria provided, single submitter. Criteria: GeneDx Variant Classification Process June 2021. Collection method: clinical testing. Allele origin: germline. Affected: yes.
Comment: Not observed at significant frequency in large population cohorts (gnomAD); In silico analysis supports a deleterious effect on splicing; Has not been previously published as pathogenic or benign to our knowledge

NM_001829.4(CLCN3):c.318+3_318+6del

Gene: CLCN3 (chloride voltage-gated channel 3; plus strand). Cytogenetic location: 4q33.
Variant type: Deletion.
Coding change: c.318+3_318+6del on transcript NM_001829.4 (MANE Select); bases 3 to 6 of the intron after coding-DNA position 318, 4 bases deleted (AAGT; older notation c.318+3_318+6delAAGT).
Molecular consequence: splice donor variant.
Genome position (GRCh38, 1-based): chr4:169,680,210-169,680,213, AAGT deleted; deleting any 4 consecutive bases within chr4:169,680,208-169,680,213 gives the same sequence; the c. name uses the placement nearest the transcript's 3' end. VCF-style (leftmost placement, unchanged base first): chr4-169680207-GGTAA-G. GRCh37 (hg19) VCF-style: chr4-170601358-GGTAA-G.
Other names: c.318+3_318+6del (NM_173872.4, NM_001243372.2); c.237+3_237+6del (NM_001243374.2).
Identifiers: ClinVar variation 1806824 (VCV001806824.1), dbSNP rs2476942639, ClinGen allele CA2580071672.